The following is an entry in ClinVar:

ClinVar aggregate classification (germline): Conflicting classifications of pathogenicity. Review status: criteria provided, conflicting classifications (1 of 4 stars). 3 submissions from 3 submitters: Uncertain significance (2); Likely benign (1). Last evaluated 2026-08-14.

Conditions:
Hereditary nonpolyposis colorectal neoplasms. Identifiers: MedGen C0009405, MeSH D003123.
Hereditary cancer-predisposing syndrome. Also called: Neoplastic Syndromes, Hereditary; Hereditary Cancer Syndrome; Hereditary neoplastic syndrome; Tumor predisposition. Identifiers: Orphanet 140162, MedGen C0027672, MeSH D009386, MONDO:0015356.
Mismatch repair cancer syndrome 4. Identifiers: MedGen C5436817, MONDO:0030843, OMIM 619101.

gnomAD v4.1: 1 of 1,614,090 alleles (0.000062%); highest among the groups gnomAD compares: Non-Finnish European, 0.000085%; no homozygotes.

Submissions (3):

Ambry Genetics
Classification: Likely benign for Hereditary cancer-predisposing syndrome. Last evaluated: 2026-08-14. Review status: criteria provided, single submitter. Criteria: Ambry Variant Classification Scheme 2023. Collection method: clinical testing. Allele origin: germline.

KCCC/NGS Laboratory, Kuwait Cancer Control Center
Classification: Uncertain significance for Mismatch repair cancer syndrome 4. Last evaluated: 2023-07-07. Review status: criteria provided, single submitter. Criteria: ACMG Guidelines, 2015. Collection method: clinical testing. Allele origin: unknown. Affected: yes.
Comment: This sequence change replaces proline with arginine at codon 484 of the PMS2 protein (p.Pro484Arg). The proline residue is weakly conserved and there is a moderate physicochemical difference between proline and arginine. This reported in the literature in individuals with PMS2-related disease. Algorithms developed to predict the effect of missense changes on protein structure and function output the following: SIFT: "Tolerated"; PolyPhen-2: "Benign"; Align-GVGD: "Class C0". The arginine amino acid residue is found in multiple mammalian species, suggesting that this missense change does not adversely affect protein function. These predictions have not been confirmed by published functional studies and their clinical significance is uncertain. Algorithms developed to predict the effect of sequence changes on RNA splicing suggest that this variant may create or strengthen a splice site, but this prediction has not been confirmed by published transcriptional studies. In summary, the available evidence is currently insufficient to determine the role of this variant in disease. Therefore, it has been classified as a Variant of Uncertain Significance.

Labcorp Genetics (formerly Invitae), Labcorp
Classification: Uncertain significance for Hereditary nonpolyposis colorectal neoplasms. Last evaluated: 2020-03-25. Review status: criteria provided, single submitter. Criteria: Invitae Variant Classification Sherloc (09022015). Collection method: clinical testing. Allele origin: germline.
Comment: In summary, the available evidence is currently insufficient to determine the role of this variant in disease. Therefore, it has been classified as a Variant of Uncertain Significance. Algorithms developed to predict the effect of sequence changes on RNA splicing suggest that this variant may create or strengthen a splice site, but this prediction has not been confirmed by published transcriptional studies. This variant is not present in population databases (ExAC no frequency). This sequence change replaces proline with arginine at codon 484 of the PMS2 protein (p.Pro484Arg). The proline residue is weakly conserved and there is a moderate physicochemical difference between proline and arginine. Algorithms developed to predict the effect of missense changes on protein structure and function output the following: SIFT: "Tolerated"; PolyPhen-2: "Benign"; Align-GVGD: "Class C0". The arginine amino acid residue is found in multiple mammalian species, suggesting that this missense change does not adversely affect protein function. These predictions have not been confirmed by published functional studies and their clinical significance is uncertain. This variant has not been reported in the literature in individuals with PMS2-related disease.

NM_000535.7(PMS2):c.1451C>G (p.Pro484Arg)

Gene: PMS2 (PMS1 homolog 2, mismatch repair system component; minus strand). Cytogenetic location: 7p22.1.
Variant type: single nucleotide variant.
Coding change: c.1451C>G on transcript NM_000535.7 (MANE Select); coding-DNA position 1451, C replaced by G.
Protein change: p.Pro484Arg; replaces proline 484 with arginine.
Molecular consequence: missense variant. On other transcripts: non-coding transcript variant (1).
Genome position (GRCh38, 1-based): chr7:5,987,314, G>C on the plus strand (C>G on the coding strand, the complement: PMS2 is on the minus strand). VCF-style: chr7-5987314-G-C. GRCh37 (hg19) VCF-style: chr7-6026945-G-C.
Other names: c.1046C>G, p.Pro349Arg (NM_001322003.2, NM_001322004.2, NM_001322005.2 and 1 more transcripts); c.1295C>G, p.Pro432Arg (NM_001322006.2); c.1133C>G, p.Pro378Arg (NM_001322007.2, NM_001322008.2); c.890C>G, p.Pro297Arg (NM_001322010.2); c.518C>G, p.Pro173Arg (NM_001322011.2, NM_001322012.2); c.878C>G, p.Pro293Arg (NM_001322013.2); c.1451C>G, p.Pro484Arg (NM_001322014.2); c.1142C>G, p.Pro381Arg (NM_001322015.2); and 1 more; short protein forms P173R, P484R, P378R, P293R, P349R, P432R, P297R, P381R.
Identifiers: ClinVar variation 654473 (VCV000654473.12), dbSNP rs1583319873, ClinGen allele CA366741936.